The following is an entry in ClinVar:

NM_000092.5(COL4A4):c.3304T>A (p.Ser1102Thr)

Gene: COL4A4 (collagen type IV alpha 4 chain; minus strand). Cytogenetic location: 2q36.3.
Variant type: single nucleotide variant.
Coding change: c.3304T>A on transcript NM_000092.5 (MANE Select); coding-DNA position 3304, T replaced by A.
Protein change: p.Ser1102Thr; replaces serine 1102 with threonine.
Molecular consequence: missense variant.
Genome position (GRCh38, 1-based): chr2:227,043,170, A>T on the plus strand (T>A on the coding strand, the complement: COL4A4 is on the minus strand). VCF-style: chr2-227043170-A-T. GRCh37 (hg19) VCF-style: chr2-227907886-A-T.
Other names: short protein forms S1102T.
Identifiers: ClinVar variation 1979655 (VCV001979655.2), dbSNP rs1971800678, ClinGen allele CA350838569.

ClinVar aggregate classification (germline): Uncertain significance. Review status: criteria provided, multiple submitters, no conflicts (2 of 4 stars). 2 submissions from 2 submitters: Uncertain significance (2). Last evaluated 2022-07-30.

Conditions:
Inborn genetic diseases. Identifiers: MedGen C0950123, MeSH D030342.

Allele frequency attached by ClinVar (database versions not stated): gnomAD exomes below 0.00001.
gnomAD v4.1: 1 of 1,614,012 alleles (0.000062%); highest among the groups gnomAD compares: African/African-American, 0.0013%; no homozygotes.

Submissions (2):

Labcorp Genetics (formerly Invitae), Labcorp
Classification: Uncertain significance. Last evaluated: 2022-07-30. Review status: criteria provided, single submitter. Criteria: Invitae Variant Classification Sherloc (09022015). Collection method: clinical testing. Allele origin: germline.
Comment: This sequence change replaces serine, which is neutral and polar, with threonine, which is neutral and polar, at codon 1102 of the COL4A4 protein (p.Ser1102Thr). This variant is not present in population databases (gnomAD no frequency). This variant has not been reported in the literature in individuals affected with COL4A4-related conditions. Advanced modeling of protein sequence and biophysical properties (such as structural, functional, and spatial information, amino acid conservation, physicochemical variation, residue mobility, and thermodynamic stability) performed at Invitae indicates that this missense variant is not expected to disrupt COL4A4 protein function. In summary, the available evidence is currently insufficient to determine the role of this variant in disease. Therefore, it has been classified as a Variant of Uncertain Significance.

Ambry Genetics
Classification: Uncertain significance for Inborn genetic diseases. Last evaluated: 2021-09-16. Review status: criteria provided, single submitter. Criteria: Ambry Variant Classification Scheme 2023. Collection method: clinical testing. Allele origin: germline.